The following is an entry in ClinVar:

ClinVar aggregate classification (germline): Uncertain significance. Review status: criteria provided, multiple submitters, no conflicts (2 of 4 stars). 2 submissions from 2 submitters: Uncertain significance (2). Last evaluated 2024-11-25.

Conditions:
Cardiovascular phenotype. Identifiers: MedGen CN230736.

Submissions (2):

Ambry Genetics
Classification: Uncertain significance for Cardiovascular phenotype. Last evaluated: 2024-11-25. Review status: criteria provided, single submitter. Criteria: Ambry Variant Classification Scheme 2023. Collection method: clinical testing. Allele origin: germline.

Labcorp Genetics (formerly Invitae), Labcorp
Classification: Uncertain significance. Last evaluated: 2024-10-30. Review status: criteria provided, single submitter. Criteria: Invitae Variant Classification Sherloc (09022015). Collection method: clinical testing. Allele origin: germline.
Comment: This sequence change replaces asparagine, which is neutral and polar, with serine, which is neutral and polar, at codon 681 of the ALPK3 protein (p.Asn681Ser). This variant is not present in population databases (gnomAD no frequency). This variant has not been reported in the literature in individuals affected with ALPK3-related conditions. Invitae Evidence Modeling of protein sequence and biophysical properties (such as structural, functional, and spatial information, amino acid conservation, physicochemical variation, residue mobility, and thermodynamic stability) indicates that this missense variant is expected to disrupt ALPK3 protein function with a positive predictive value of 80%. In summary, the available evidence is currently insufficient to determine the role of this variant in disease. Therefore, it has been classified as a Variant of Uncertain Significance.

NM_020778.5(ALPK3):c.1436A>G (p.Asn479Ser)

Gene: ALPK3 (alpha kinase 3; plus strand). Cytogenetic location: 15q25.3.
Variant type: single nucleotide variant.
Coding change: c.1436A>G on transcript NM_020778.5 (MANE Select); coding-DNA position 1436, A replaced by G.
Protein change: p.Asn479Ser; replaces asparagine 479 with serine.
Molecular consequence: missense variant.
Genome position (GRCh38, 1-based): chr15:84,840,715, A>G. VCF-style: chr15-84840715-A-G. GRCh37 (hg19) VCF-style: chr15-85383946-A-G.
Other names: short protein forms N479S.
Identifiers: ClinVar variation 3533851 (VCV003533851.3).
Genomic context (GRCh38, chr15:84,840,715, plus strand): 5'-TGCCTGGCGCTCCTGGCCAGCCCACACACTCCTTGACCCCCCAGCCGACTAGGCCTTTCA[A>G]CAGAAAGAGATTTGCCCCTCCAAAGCCCAAAGGAGAGGCCACCACTGACAGCAAGCCCAT-3'
Protein context (NP_065829.4, residues 469-489): SLTPQPTRPF[Asn479Ser]RKRFAPPKPK